The following is an entry in ClinVar:

NM_014324.6(AMACR):c.367G>A (p.Asp123Asn)

Genes: C1QTNF3-AMACR (C1QTNF3-AMACR readthrough (NMD candidate); minus strand), AMACR (alpha-methylacyl-CoA racemase; minus strand). Cytogenetic location: 5p13.2.
Variant type: single nucleotide variant.
Coding change: c.367G>A on transcript NM_014324.6 (MANE Select); coding-DNA position 367, G replaced by A.
Protein change: p.Asp123Asn; replaces aspartic acid 123 with asparagine.
Molecular consequence: missense variant. On other transcripts: non-coding transcript variant (1).
Genome position (GRCh38, 1-based): chr5:34,005,780, C>T on the plus strand (G>A on the coding strand, the complement: AMACR is on the minus strand). VCF-style: chr5-34005780-C-T. GRCh37 (hg19) VCF-style: chr5-34005885-C-T.
Other names: c.367G>A, p.Asp123Asn (NM_001167595.2, NM_203382.3); c.367G>A (NM_014324.5); short protein forms D123N.
Identifiers: ClinVar variation 1396472 (VCV001396472.7), dbSNP rs771615304, ClinGen allele CA3226233.

ClinVar aggregate classification (germline): Conflicting classifications of pathogenicity. Review status: criteria provided, conflicting classifications (1 of 4 stars). 3 submissions from 3 submitters: Likely pathogenic (1); Uncertain significance (2). Last evaluated 2025-06-26.

Conditions:
AMACR-related disorder. Also called: AMACR-Related Disorders; AMACR-related condition.
Alpha-methylacyl-CoA racemase deficiency (AMACRD). Also called: AMACR deficiency. Identifiers: Orphanet 79095, MedGen C3280428, MONDO:0013681, OMIM 614307. Disease mechanism: loss of function.

Allele frequency attached by ClinVar (database versions not stated): gnomAD 0.00001; gnomAD exomes 0.00002 and 0.00004; ExAC 0.00003; TOPMed 0.00003.

Submissions (3):

PreventionGenetics, part of Exact Sciences
Classification: Uncertain significance for AMACR-related condition. Last evaluated: 2025-06-26. Review status: criteria provided, single submitter. Criteria: ACMG Guidelines, 2015. Collection method: clinical testing. Allele origin: germline.
Comment: The AMACR c.367G>A variant is predicted to result in the amino acid substitution p.Asp123Asn. This variant was reported in the homozygous state in two siblings with alpha methylacyl CoA racemase deficiency (Haugarvoll et al 2013. PubMed ID: 23286897). This variant is reported in 0.038% of alleles in individuals of East Asian descent in gnomAD. At this time, the clinical significance of this variant is uncertain due to the absence of conclusive functional and genetic evidence.

Blueprint Genetics
Classification: Likely pathogenic for AMACR-related disorders. Last evaluated: 2024-05-31. Review status: criteria provided, single submitter. Criteria: ACMG Guidelines, 2015. Collection method: clinical testing. Allele origin: germline. Affected: yes. Observed: 5 variant alleles.

Labcorp Genetics (formerly Invitae), Labcorp
Classification: Uncertain significance for Alpha-methylacyl-CoA racemase deficiency. Last evaluated: 2021-08-14. Review status: criteria provided, single submitter. Criteria: Invitae Variant Classification Sherloc (09022015). Collection method: clinical testing. Allele origin: germline.
Comment: This sequence change replaces aspartic acid with asparagine at codon 123 of the AMACR protein (p.Asp123Asn). The aspartic acid residue is highly conserved and there is a small physicochemical difference between aspartic acid and asparagine. This variant is present in population databases (rs771615304, ExAC 0.02%). This variant has been observed in individual(s) with alpha-methylacyl-CoA racemase deficiency (PMID: 23286897). Algorithms developed to predict the effect of missense changes on protein structure and function are either unavailable or do not agree on the potential impact of this missense change (SIFT: "Deleterious"; PolyPhen-2: "Probably Damaging"; Align-GVGD: "Class C15"). In summary, the available evidence is currently insufficient to determine the role of this variant in disease. Therefore, it has been classified as a Variant of Uncertain Significance.

Literature cited by the submitters: PubMed 23286897 (cited by Labcorp Genetics (formerly Invitae), Labcorp).